The following is an entry in ClinVar:

NM_031892.3(SH3KBP1):c.1706C>T (p.Ala569Val)

Gene: SH3KBP1 (SH3 domain containing kinase binding protein 1; minus strand). Cytogenetic location: Xp22.12.
Variant type: single nucleotide variant.
Coding change: c.1706C>T on transcript NM_031892.3 (MANE Select); coding-DNA position 1706, C replaced by T.
Protein change: p.Ala569Val; replaces alanine 569 with valine.
Molecular consequence: missense variant.
Genome position (GRCh38, 1-based): chrX:19,542,111, G>A on the plus strand (C>T on the coding strand, the complement: SH3KBP1 is on the minus strand). VCF-style: chrX-19542111-G-A. GRCh37 (hg19) VCF-style: chrX-19560229-G-A.
Other names: c.1595C>T, p.Ala532Val (NM_001024666.3); c.992C>T, p.Ala331Val (NM_001184960.2); c.1577C>T, p.Ala526Val (NM_001353890.2); c.1781C>T, p.Ala594Val (NM_001353891.2); c.1652C>T, p.Ala551Val (NM_001353892.2); c.1604C>T, p.Ala535Val (NM_001353893.2); c.1475C>T, p.Ala492Val (NM_001353894.2); c.1532C>T, p.Ala511Val (NM_001353895.2); and 4 more; short protein forms A467V, A532V, A551V, A570V, A492V, A526V, A594V, A613V.
Identifiers: ClinVar variation 2900743 (VCV002900743.3), dbSNP rs776375600, ClinGen allele CA10364467.
Genomic context (GRCh38, chrX:19,542,111, plus strand): 5'-GACGGGGAGTTGGCTCTGTGTCCAGCTGTTCCCAAAGAGGATGACAGGGGGGAGGGCGCC[G>A]CTGAGGACAGAGGGGCTGGCCCACCGCCACCTGCTGCCATGGTCCCCGGCTTGGGCGGCA-3'
Protein context (NP_114098.1, residues 559-579): GGGGPAPLSS[Ala569Val]APSPLSSSLG

ClinVar aggregate classification (germline): Uncertain significance (1 of 4 stars; one submission).

Allele frequency attached by ClinVar (database versions not stated): TOPMed below 0.00001; ExAC 0.00001; gnomAD exomes 0.00001; gnomAD 0.00002.

Submission:

Labcorp Genetics (formerly Invitae), Labcorp
Classification: Uncertain significance. Last evaluated: 2024-06-02. Review status: criteria provided, single submitter. Criteria: Invitae Variant Classification Sherloc (09022015). Collection method: clinical testing. Allele origin: germline.
Comment: This sequence change replaces alanine, which is neutral and non-polar, with valine, which is neutral and non-polar, at codon 569 of the SH3KBP1 protein (p.Ala569Val). This variant is present in population databases (rs776375600, gnomAD 0.005%). This variant has not been reported in the literature in individuals affected with SH3KBP1-related conditions. Algorithms developed to predict the effect of missense changes on protein structure and function output the following: SIFT: "Not Available"; PolyPhen-2: "Benign"; Align-GVGD: "Not Available". The valine amino acid residue is found in multiple mammalian species, which suggests that this missense change does not adversely affect protein function. In summary, the available evidence is currently insufficient to determine the role of this variant in disease. Therefore, it has been classified as a Variant of Uncertain Significance.